The following is an entry in ClinVar:

ClinVar aggregate classification (germline): Likely pathogenic (1 of 4 stars; one submission).

Conditions:
LAMA2-related muscular dystrophy (LAMA2-RD). Also called: Laminin alpha 2-related dystrophy. Identifiers: MedGen C5679788, MONDO:0100228.

Submission:

Myriad Genetics, Inc.
Classification: Likely pathogenic for LAMA2-related muscular dystrophy. Last evaluated: 2022-03-15. Review status: criteria provided, single submitter. Criteria: Myriad Autosomal Dominant, Autosomal Recessive and X-Linked Classification Criteria (2023). Collection method: clinical testing. Allele origin: unknown.
Comment: NM_000426.3(LAMA2):c.3409A>T(K1137*) is expected to be pathogenic in the context of muscular dystrophy, LAMA2-related. This variant is predicted to lead to an abnormal or absent protein product due to the creation of a premature termination codon in LAMA2, a gene where loss-of-function variants are known to be pathogenic. Please note: this variant was assessed in the context of healthy population screening.

NM_000426.4(LAMA2):c.3409A>T (p.Lys1137Ter)

Gene: LAMA2 (laminin subunit alpha 2; plus strand). Cytogenetic location: 6q22.33.
Variant type: single nucleotide variant.
Coding change: c.3409A>T on transcript NM_000426.4 (MANE Select); coding-DNA position 3409, A replaced by T.
Protein change: p.Lys1137Ter; replaces lysine 1137 with a stop codon.
Molecular consequence: nonsense.
Genome position (GRCh38, 1-based): chr6:129,313,095, A>T. VCF-style: chr6-129313095-A-T. GRCh37 (hg19) VCF-style: chr6-129634240-A-T.
Other names: c.3409A>T, p.Lys1137Ter (NM_001079823.2); short protein forms K1137*.
Identifiers: ClinVar variation 1725294 (VCV001725294.3), dbSNP rs2482400442, ClinGen allele CA365612152.